The following is an entry in ClinVar:

ClinVar aggregate classification (germline): Uncertain significance (1 of 4 stars; one submission).

Submission:

GeneDx
Classification: Uncertain significance. Last evaluated: 2025-07-14. Review status: criteria provided, single submitter. Criteria: GeneDx Variant Classification Process June 2021. Collection method: clinical testing. Allele origin: germline. Affected: yes.
Comment: Not observed at significant frequency in large population cohorts (gnomAD); In silico analysis supports that this missense variant has a deleterious effect on protein structure/function; Has not been previously published as pathogenic or benign to our knowledge

NM_182641.4(BPTF):c.6841C>T (p.Pro2281Ser)

Gene: BPTF (bromodomain PHD finger transcription factor; plus strand). Cytogenetic location: 17q24.2.
Variant type: single nucleotide variant.
Coding change: c.6841C>T on transcript NM_182641.4 (MANE Select); coding-DNA position 6841, C replaced by T.
Protein change: p.Pro2281Ser; replaces proline 2281 with serine.
Molecular consequence: missense variant.
Genome position (GRCh38, 1-based): chr17:67,945,549, C>T. VCF-style: chr17-67945549-C-T. GRCh37 (hg19) VCF-style: chr17-65941665-C-T.
Other names: c.7030C>T, p.Pro2344Ser (NM_001439139.1, NM_001439143.1, NM_001439144.1); c.7219C>T, p.Pro2407Ser (NM_001439140.1, NM_001439142.1, NM_004459.7); c.7192C>T, p.Pro2398Ser (NM_001439141.1); short protein forms P2281S, P2344S, P2398S, P2407S.
Identifiers: ClinVar variation 4686246 (VCV004686246.1).